The following is an entry in ClinVar:

NM_012281.3(KCND2):c.839C>G (p.Thr280Arg)

Gene: KCND2 (potassium voltage-gated channel subfamily D member 2; plus strand). Cytogenetic location: 7q31.31.
Variant type: single nucleotide variant.
Coding change: c.839C>G on transcript NM_012281.3 (MANE Select); coding-DNA position 839, C replaced by G.
Protein change: p.Thr280Arg; replaces threonine 280 with arginine.
Molecular consequence: missense variant.
Genome position (GRCh38, 1-based): chr7:120,275,471, C>G. VCF-style: chr7-120275471-C-G. GRCh37 (hg19) VCF-style: chr7-119915525-C-G.
Other names: short protein forms T280R.
Identifiers: ClinVar variation 2309254 (VCV002309254.2), dbSNP rs763467703, ClinGen allele CA369132499.

ClinVar aggregate classification (germline): Uncertain significance (1 of 4 stars; one submission).

Conditions:
Inborn genetic diseases. Identifiers: MedGen C0950123, MeSH D030342.

Submission:

Ambry Genetics
Classification: Uncertain significance for Inborn genetic diseases. Last evaluated: 2022-10-07. Review status: criteria provided, single submitter. Criteria: Ambry Variant Classification Scheme 2023. Collection method: clinical testing. Allele origin: germline.
Comment: The c.839C>G (p.T280R) alteration is located in exon 1 (coding exon 1) of the KCND2 gene. This alteration results from a C to G substitution at nucleotide position 839, causing the threonine (T) at amino acid position 280 to be replaced by an arginine (R). This variant was not reported in population-based cohorts in the Genome Aggregation Database (gnomAD). This amino acid position is highly conserved in available vertebrate species. This missense alteration is located in a region that has a low rate of benign missense variation (Lek, 2016; Firth, 2009). This alteration is predicted to be deleterious by in silico analysis. Based on insufficient or conflicting evidence, the clinical significance of this alteration remains unclear.